The following is an entry in ClinVar:

ClinVar aggregate classification (germline): Uncertain significance. Review status: criteria provided, multiple submitters, no conflicts (2 of 4 stars). 2 submissions from 2 submitters: Uncertain significance (2). Last evaluated 2017-06-05.

Conditions:
Muscular dystrophy-dystroglycanopathy (congenital with brain and eye anomalies), type a, 10 (MDDGA10). Also called: WALKER-WARBURG SYNDROME OR MUSCLE-EYE-BRAIN DISEASE, TMEM5-RELATED. Identifiers: Orphanet 899, MedGen C3554381, MONDO:0014022, OMIM 615041.

Allele frequency attached by ClinVar (database versions not stated): gnomAD exomes 0.00001.
gnomAD v4.1: 8 of 1,597,162 alleles (0.0005%); highest among the groups gnomAD compares: Middle Eastern, 0.1%; no homozygotes.

Submissions (2):

Labcorp Genetics (formerly Invitae), Labcorp
Classification: Uncertain significance for Muscular dystrophy-dystroglycanopathy (congenital with brain and eye anomalies), type a, 10. Last evaluated: 2017-06-05. Review status: criteria provided, single submitter. Criteria: Invitae Variant Classification Sherloc (09022015). Collection method: clinical testing. Allele origin: germline.
Comment: This sequence change replaces glutamine with arginine at codon 307 of the TMEM5 protein (p.Gln307Arg). The glutamine residue is highly conserved and there is a small physicochemical difference between glutamine and arginine. This variant is not present in population databases (ExAC no frequency). This variant has not been reported in the literature in individuals with a TMEM5-related disease. Algorithms developed to predict the effect of missense changes on protein structure and function (SIFT, PolyPhen-2, Align-GVGD) all suggest that this variant is likely to be tolerated, but these predictions have not been confirmed by published functional studies and their clinical significance is uncertain. In summary, this variant has uncertain impact on TMEM5 function. The available evidence is currently insufficient to determine its role in disease. Therefore, it has been classified as a Variant of Uncertain Significance.

Breakthrough Genomics
Classification: Uncertain significance. Review status: criteria provided, single submitter. Criteria: ACMG Guidelines, 2015. Collection method: not provided. Allele origin: germline. Inheritance: Autosomal recessive inheritance. Affected: yes.

NM_014254.3(RXYLT1):c.920A>G (p.Gln307Arg)

Gene: RXYLT1 (ribitol xylosyltransferase 1; plus strand). Cytogenetic location: 12q14.2.
Variant type: single nucleotide variant.
Coding change: c.920A>G on transcript NM_014254.3 (MANE Select); coding-DNA position 920, A replaced by G.
Protein change: p.Gln307Arg; replaces glutamine 307 with arginine.
Molecular consequence: missense variant.
Genome position (GRCh38, 1-based): chr12:63,808,680, A>G. VCF-style: chr12-63808680-A-G. GRCh37 (hg19) VCF-style: chr12-64202460-A-G.
Other names: c.140A>G, p.Gln47Arg (NM_001278237.2); short protein forms Q307R, Q47R.
Identifiers: ClinVar variation 473417 (VCV000473417.2), dbSNP rs866198592, ClinGen allele CA238830865.